The following is an entry in ClinVar:

NM_144997.7(FLCN):c.1658G>A (p.Trp553Ter)

Gene: FLCN (folliculin; minus strand). Cytogenetic location: 17p11.2.
Variant type: single nucleotide variant.
Coding change: c.1658G>A on transcript NM_144997.7 (MANE Select); coding-DNA position 1658, G replaced by A.
Protein change: p.Trp553Ter; replaces tryptophan 553 with a stop codon.
Molecular consequence: nonsense.
Genome position (GRCh38, 1-based): chr17:17,213,737, C>T on the plus strand (G>A on the coding strand, the complement: FLCN is on the minus strand). VCF-style: chr17-17213737-C-T. GRCh37 (hg19) VCF-style: chr17-17117051-C-T.
Other names: c.1658G>A (LRG_325t1); c.1712G>A, p.Trp571Ter (NM_001353229.2); c.1658G>A, p.Trp553Ter (NM_001353230.2, NM_001353231.2); short protein forms W553*, W571*.
Identifiers: ClinVar variation 253260 (VCV000253260.11), dbSNP rs879255684, ClinGen allele CA10586245.

ClinVar aggregate classification (germline): Pathogenic/Likely pathogenic. Review status: criteria provided, multiple submitters, no conflicts (2 of 4 stars). 4 submissions from 4 submitters: Pathogenic (2); Likely pathogenic (1). 1 of the submissions does not count toward it. Last evaluated 2024-03-01.

Conditions:
FLCN-related disorders.
Hereditary cancer-predisposing syndrome. Also called: Hereditary Cancer Syndrome; Tumor predisposition; Hereditary neoplastic syndrome; Neoplastic Syndromes, Hereditary. Identifiers: Orphanet 140162, MedGen C0027672, MeSH D009386, MONDO:0015356.
Birt-Hogg-Dube syndrome. Also called: Birt Hogg Dubé syndrome. Identifiers: Orphanet 122, MedGen C0346010, MONDO:0800444.

Submissions (4):

Ambry Genetics
Classification: Pathogenic for Hereditary cancer-predisposing syndrome. Last evaluated: 2024-03-01. Review status: criteria provided, single submitter. Criteria: Ambry Variant Classification Scheme 2023. Collection method: clinical testing. Allele origin: germline.
Comment: The p.W553* pathogenic mutation (also known as c.1658G>A), located in coding exon 11 of the FLCN gene, results from a G to A substitution at nucleotide position 1658. This changes the amino acid from a tryptophan to a stop codon within coding exon 11. Premature stop codons are typically deleterious in nature, however, this stop codon occurs at the 3' terminus of FLCN, is not expected to trigger nonsense-mediated mRNA decay, and impacts only the last 27 amino acids of the protein. This alteration has been observed in multiple individuals who have a personal and/or family history that is consistent with FLCN-associated disease (Ambry internal data; Liu Y et al. Orphanet J Rare Dis. 2017 05;12:104). Based on internal structural assessment, this alteration disrupts the C-terminal DENN-like domain, which is a guanine nucleotide exchange factor implicated in FLCN&rsquo;s role in membrane trafficking (Ambry internal data; Nookala RK et al. Open Biol. 2012 Aug;2:120071; Dodding MP. Small GTPases. 2017 04;8:100-105; Schmidt LS et al. Gene. 2018 Jan;640:28-42). Based on the majority of available evidence to-date, this alteration is interpreted as a disease-causing mutation.

Blueprint Genetics
Classification: Likely pathogenic for FLCN-related disorders. Last evaluated: 2023-09-15. Review status: criteria provided, single submitter. Criteria: ACMG Guidelines, 2015. Collection method: clinical testing. Allele origin: germline. Affected: yes. Observed: 2 variant alleles.

Labcorp Genetics (formerly Invitae), Labcorp
Classification: Pathogenic for Birt-Hogg-Dube syndrome. Last evaluated: 2022-06-20. Review status: criteria provided, single submitter. Criteria: Invitae Variant Classification Sherloc (09022015). Collection method: clinical testing. Allele origin: germline.
Comment: For these reasons, this variant has been classified as Pathogenic. This variant disrupts a region of the FLCN protein in which other variant(s) (p.Trp533Arg) have been determined to be pathogenic (Invitae; external communications). This suggests that this is a clinically significant region of the protein, and that variants that disrupt it are likely to be disease-causing. This sequence change creates a premature translational stop signal (p.Trp553*) in the FLCN gene. While this is not anticipated to result in nonsense mediated decay, it is expected to disrupt the last 27 amino acid(s) of the FLCN protein. This variant is not present in population databases (gnomAD no frequency). This premature translational stop signal has been observed in individual(s) with clinical features of Birt-Hogg-Dubé syndrome (PMID: 28558743). ClinVar contains an entry for this variant (Variation ID: 253260). This variant disrupts the FNIP1/2 interaction domain, which has been shown to be important for AMPK-mediated mTOR signaling pathways (PMID: 17028174, 18403135, 18663353, 22977732). While functional studies have not been performed to directly test the effect of this variant on FLCN protein function, this suggests that disruption of this region of the protein may be causative of disease.

Genomic Diagnostic Laboratory, Division of Genomic Diagnostics, Children's Hospital of Philadelphia
Classification: Uncertain significance for Birt-Hogg-Dube Syndrome. Last evaluated: 2016-07-18. Review status: flagged submission. Criteria: DGD Variant Analysis Guidelines. Collection method: clinical testing. Allele origin: germline. Affected: yes. Observed: 1 variant allele. Not counted in ClinVar's aggregate classification.
Comment: Clinical Testing
ClinVar note: Reason: Older and outlier claim with insufficient supporting evidence

Literature cited by the submitters: PubMed 17133269 (cited by Ambry Genetics); PubMed 28558743 (cited by Ambry Genetics and Labcorp Genetics (formerly Invitae), Labcorp); PubMed 29357828 (cited by Ambry Genetics); PubMed 30632664 (cited by Ambry Genetics); PubMed 17028174 (cited by Labcorp Genetics (formerly Invitae), Labcorp); PubMed 18403135 (cited by Labcorp Genetics (formerly Invitae), Labcorp); PubMed 18663353 (cited by Labcorp Genetics (formerly Invitae), Labcorp); PubMed 22977732 (cited by Labcorp Genetics (formerly Invitae), Labcorp).